The following is an entry in ClinVar:

ClinVar aggregate classification (germline): Uncertain significance (1 of 4 stars; one submission).

Allele frequency attached by ClinVar (database versions not stated): TOPMed below 0.00001.

Submission:

Labcorp Genetics (formerly Invitae), Labcorp
Classification: Uncertain significance. Last evaluated: 2023-02-23. Review status: criteria provided, single submitter. Criteria: Invitae Variant Classification Sherloc (09022015). Collection method: clinical testing. Allele origin: germline.
Comment: In summary, the available evidence is currently insufficient to determine the role of this variant in disease. Therefore, it has been classified as a Variant of Uncertain Significance. An algorithm developed to predict the effect of missense changes on protein structure and function (PolyPhen-2) suggests that this variant is likely to be tolerated. This variant has not been reported in the literature in individuals affected with CASQ1-related conditions. This variant is not present in population databases (gnomAD no frequency). This sequence change replaces glutamine, which is neutral and polar, with lysine, which is basic and polar, at codon 35 of the CASQ1 protein (p.Gln35Lys).

NM_001231.5(CASQ1):c.103C>A (p.Gln35Lys)

Gene: CASQ1 (calsequestrin 1; plus strand). Cytogenetic location: 1q23.2.
Variant type: single nucleotide variant.
Coding change: c.103C>A on transcript NM_001231.5 (MANE Select); coding-DNA position 103, C replaced by A.
Protein change: p.Gln35Lys; replaces glutamine 35 with lysine.
Molecular consequence: missense variant.
Genome position (GRCh38, 1-based): chr1:160,190,854, C>A. VCF-style: chr1-160190854-C-A. GRCh37 (hg19) VCF-style: chr1-160160644-C-A.
Other names: short protein forms Q35K.
Identifiers: ClinVar variation 2969306 (VCV002969306.3), dbSNP rs1313968560, ClinGen allele CA343249415.
Genomic context (GRCh38, chr1:160,190,854, plus strand): 5'-CTGCGGCTGGCACTGCTGTTGCTGCTGGTGCTAGGGACACCCAAGTCAGGGGTACAGGGG[C>A]AGGAAGGGCTGGACTTCCCTGAGTACGATGGTGTGGACCGTGTGATCAATGTCAATGCAA-3'
Protein context (NP_001222.3, residues 25-45): LGTPKSGVQG[Gln35Lys]EGLDFPEYDG